The following is an entry in ClinVar:

ClinVar aggregate classification (germline): Likely benign. Review status: criteria provided, multiple submitters, no conflicts (2 of 4 stars). 2 submissions from 2 submitters: Likely benign (2). Last evaluated 2025-05-19.

Conditions:
PKHD1-related disorder. Also called: PKHD1-related condition.
Autosomal recessive polycystic kidney disease (ARPKD). Also called: AR polycystic kidney disease. Identifiers: Orphanet 731, Orphanet 8378, MedGen C0085548, MeSH D017044, MONDO:0009889.

Allele frequency attached by ClinVar (database versions not stated): gnomAD exomes below 0.00001; TOPMed below 0.00001; gnomAD 0.00001.
gnomAD v4.1: 2 of 1,613,994 alleles (0.00012%); highest among the groups gnomAD compares: Admixed American, 0.0017%; no homozygotes.

Submissions (2):

PreventionGenetics, part of Exact Sciences
Classification: Likely benign for PKHD1-related condition. Last evaluated: 2025-05-19. Review status: criteria provided, single submitter. Criteria: ACMG Guidelines, 2015. Collection method: clinical testing. Allele origin: germline.
Comment: This variant is classified as likely benign based on ACMG/AMP sequence variant interpretation guidelines (Richards et al. 2015 PMID: 25741868, with internal and published modifications).

Labcorp Genetics (formerly Invitae), Labcorp
Classification: Likely benign for Autosomal recessive polycystic kidney disease. Last evaluated: 2023-11-17. Review status: criteria provided, single submitter. Criteria: Invitae Variant Classification Sherloc (09022015). Collection method: clinical testing. Allele origin: germline.

NM_138694.4(PKHD1):c.4494T>C (p.Ser1498=)

Gene: PKHD1 (PKHD1 ciliary IPT domain containing fibrocystin/polyductin; minus strand). Cytogenetic location: 6p12.2.
Variant type: single nucleotide variant.
Coding change: c.4494T>C on transcript NM_138694.4 (MANE Select); coding-DNA position 4494, T replaced by C.
Protein change: p.Ser1498=; no amino-acid change (serine 1498 retained).
Molecular consequence: synonymous variant.
Genome position (GRCh38, 1-based): chr6:52,025,316, A>G on the plus strand (T>C on the coding strand, the complement: PKHD1 is on the minus strand). VCF-style: chr6-52025316-A-G. GRCh37 (hg19) VCF-style: chr6-51890114-A-G.
Other names: c.4494T>C, p.Ser1498= (NM_170724.3); c.4494T>C (NM_138694.3).
Identifiers: ClinVar variation 2817324 (VCV002817324.4), dbSNP rs1801984285, ClinGen allele CA450614388.
Genomic context (GRCh38, chr6:52,025,316, plus strand): 5'-TACCATCGGCTCATCAGCTGTGGTGGCTAACCTCTGACCCCTAATCAGCACAGTGGTCAG[A>G]GACCCACTGGTGTTTGTGGACAAGGCATCCATGACAGGACTTGCCTCTTCCCTTATGAAA-3'
Protein context (NP_619639.3, residues 1488-1508): MDALSTNTSG[Ser1498=]LTTVLIRGQR